The following is an entry in ClinVar:

ClinVar aggregate classification (germline): Uncertain significance. Review status: criteria provided, multiple submitters, no conflicts (2 of 4 stars). 3 submissions from 3 submitters: Uncertain significance (3). Last evaluated 2025-07-02.

Conditions:
Inborn genetic diseases. Identifiers: MedGen C0950123, MeSH D030342.
Prolidase deficiency. Identifiers: Orphanet 742, MedGen C0268532, MONDO:0008221, OMIM 170100.

Allele frequency attached by ClinVar (database versions not stated): gnomAD 0.00001; TOPMed 0.00002; gnomAD exomes 0.00003 and 0.00004.
gnomAD v4.1: 36 of 1,547,040 alleles (0.0023%); highest among the groups gnomAD compares: Non-Finnish European, 0.003%; no homozygotes.

Submissions (3):

Ambry Genetics
Classification: Uncertain significance for Inborn genetic diseases. Last evaluated: 2025-07-02. Review status: criteria provided, single submitter. Criteria: Ambry Variant Classification Scheme 2023. Collection method: clinical testing. Allele origin: germline.

Labcorp Genetics (formerly Invitae), Labcorp
Classification: Uncertain significance. Last evaluated: 2022-07-12. Review status: criteria provided, single submitter. Criteria: Invitae Variant Classification Sherloc (09022015). Collection method: clinical testing. Allele origin: germline.
Comment: This sequence change replaces valine, which is neutral and non-polar, with methionine, which is neutral and non-polar, at codon 386 of the PEPD protein (p.Val386Met). This variant is present in population databases (no rsID available, gnomAD 0.008%). This variant has not been reported in the literature in individuals affected with PEPD-related conditions. ClinVar contains an entry for this variant (Variation ID: 328797). Algorithms developed to predict the effect of missense changes on protein structure and function (SIFT, PolyPhen-2, Align-GVGD) all suggest that this variant is likely to be tolerated. In summary, the available evidence is currently insufficient to determine the role of this variant in disease. Therefore, it has been classified as a Variant of Uncertain Significance.

Illumina Laboratory Services, Illumina
Classification: Uncertain significance for Prolidase deficiency. Last evaluated: 2018-01-13. Review status: criteria provided, single submitter. Criteria: ICSL Variant Classification Criteria 13 December 2019. Collection method: clinical testing. Allele origin: germline.

NM_000285.4(PEPD):c.1156G>A (p.Val386Met)

Gene: PEPD (peptidase D; minus strand). Cytogenetic location: 19q13.11.
Variant type: single nucleotide variant.
Coding change: c.1156G>A on transcript NM_000285.4 (MANE Select); coding-DNA position 1156, G replaced by A.
Protein change: p.Val386Met; replaces valine 386 with methionine.
Molecular consequence: missense variant.
Genome position (GRCh38, 1-based): chr19:33,388,078, C>T on the plus strand (G>A on the coding strand, the complement: PEPD is on the minus strand). VCF-style: chr19-33388078-C-T. GRCh37 (hg19) VCF-style: chr19-33878984-C-T.
Other names: c.1033G>A, p.Val345Met (NM_001166056.2); c.964G>A, p.Val322Met (NM_001166057.2); short protein forms V386M, V322M, V345M.
Identifiers: ClinVar variation 328797 (VCV000328797.8), dbSNP rs886054334, ClinGen allele CA10651745.
Genomic context (GRCh38, chr19:33,388,078, plus strand): 5'-CTGGCTGCAGGTGCCGTGCAGTGCGCAGGCTCCGCAGGCCGGGCTCGTCGATGCGCTCCA[C>T]GCCCTGTGGGGAACAGAGGTGAGGGGCCTGATGAGCAGCTCCAGGGCTCACCGTGGCCTC-3'
Protein context (NP_000276.2, residues 376-396): VHDVGGYPEG[Val386Met]ERIDEPGLRS